The following is an entry in ClinVar:

NM_003665.4(FCN3):c.381_382insA (p.Gly128fs)

Gene: FCN3 (ficolin 3; minus strand). Cytogenetic location: 1p36.11.
Variant type: Insertion.
Coding change: c.381_382insA on transcript NM_003665.4 (MANE Select); coding-DNA positions 381 to 382, A inserted.
Protein change: p.Gly128fs; shifts the reading frame from glycine 128.
Molecular consequence: frameshift variant.
Genome position: GRCh38 VCF-style: chr1-27373147-C-CT. GRCh37 (hg19) VCF-style: chr1-27699638-C-CT.
Other names: c.348_349insA, p.Gly117fs (NM_173452.3); short protein forms G117fs, G128fs.
Identifiers: ClinVar variation 3336683 (VCV003336683.2).

ClinVar aggregate classification (germline): Pathogenic/Likely pathogenic. Review status: criteria provided, multiple submitters, no conflicts (2 of 4 stars). 2 submissions from 2 submitters: Pathogenic (1); Likely pathogenic (1). Last evaluated 2025-05-07.

Conditions:
Immunodeficiency due to ficolin3 deficiency. Also called: FICOLIN 3 DEFICIENCY; FCN3 DEFICIENCY; LECTIN COMPLEMENT ACTIVATION PATHWAY, DEFECT IN, 3. Identifiers: Orphanet 331190, MedGen C3151226, MONDO:0013467, OMIM 613860.

Submissions (2):

First Genomix Gene Laboratory, Genetic Diagnostics Department
Classification: Pathogenic for Immunodeficiency due to ficolin3 deficiency. Last evaluated: 2025-05-07. Review status: criteria provided, single submitter. Criteria: ACMG Guidelines, 2015. Collection method: clinical testing. Allele origin: germline. Inheritance: Autosomal recessive inheritance. Affected: no. Observed: 1 variant allele.

Igenomix - Part of Vitrolife Group, Igenomix
Classification: Likely pathogenic for Immunodeficiency due to ficolin3 deficiency. Review status: criteria provided, single submitter. Criteria: ACMG Guidelines, 2015. Collection method: clinical testing. Allele origin: germline. Inheritance: Autosomal recessive inheritance. Affected: no.
Comment: The FCN3 variant (p.Gly128Argfs*33) is predicted to result in frameshift and premature truncation of the protein 32 amino acids downstream to codon 128 in the new coding frame (PVS1). This variant is present exon 5/8. Truncations downstream of this position have been classified as pathogenic. This variant is absent in the gnomAD v4.1.0 (PM2). To our knowledge, no experimental evidence demonstrating an impact on protein function has been reported. Based on the evidence outlined above, the variant was classified as likely pathogenic. This variant was detected in the heterozygous state through carrier screening.